The following is an entry in ClinVar:

NM_018406.7(MUC4):c.12360T>G (p.Ser4120=)

Genes: MUC4 (mucin 4, cell surface associated), LOC126806930 (BRD4-independent group 4 enhancer GRCh37_chr3:195505212-195506411). Cytogenetic location: 3q29.
Variant type: single nucleotide variant.
Coding change: c.12360T>G on transcript NM_018406.7 (MANE Select); coding-DNA position 12360, T replaced by G.
Protein change: p.Ser4120=; no amino-acid change (serine 4120 retained).
Molecular consequence: synonymous variant. On other transcripts: no sequence alteration (1), genic upstream transcript variant (2).
Genome position (GRCh38, 1-based): chr3:195,779,220, A>C on the plus strand (T>G on the coding strand, the complement: MUC4 is on the minus strand). VCF-style: chr3-195779220-A-C. GRCh37 (hg19) VCF-style: chr3-195506091-A-C.
Other names: c.17706=, p.Ser5902= (NM_001322468.1); c.83-4915T>G (NM_138297.5); c.83-765T>G (NM_004532.6).
Identifiers: ClinVar variation 403118 (VCV000403118.4), dbSNP rs74941663, ClinGen allele CA2768848.

ClinVar aggregate classification (germline): Benign (1 of 4 stars; one submission).

Allele frequency attached by ClinVar (database versions not stated): gnomAD 0.33286.

Submission:

Laboratory for Molecular Medicine, Mass General Brigham Personalized Medicine
Classification: Benign. Last evaluated: 2016-03-29. Review status: criteria provided, single submitter. Criteria: LMM Criteria. Collection method: clinical testing. Allele origin: germline.
Comment: Variant identified in a genome or exome case(s) and assessed due to predicted null impact of the variant or pathogenic assertions in the literature or databases. Disclaimer: This variant has not undergone full assessment. The following are preliminary notes: Frequency